The following is an entry in ClinVar:

NM_017934.7(PHIP):c.1225C>T (p.Arg409Cys)

Gene: PHIP (PHIP subunit of CUL4-Ring ligase complex; minus strand). Cytogenetic location: 6q14.1.
Variant type: single nucleotide variant.
Coding change: c.1225C>T on transcript NM_017934.7 (MANE Select); coding-DNA position 1225, C replaced by T.
Protein change: p.Arg409Cys; replaces arginine 409 with cysteine.
Molecular consequence: missense variant.
Genome position (GRCh38, 1-based): chr6:79,016,554, G>A on the plus strand (C>T on the coding strand, the complement: PHIP is on the minus strand). VCF-style: chr6-79016554-G-A. GRCh37 (hg19) VCF-style: chr6-79726271-G-A.
Other names: short protein forms R409C.
Identifiers: ClinVar variation 4990835 (VCV004990835.1).

ClinVar aggregate classification (germline): Uncertain significance (1 of 4 stars; one submission).

Conditions:
PHIP-related disorder. Also called: PHIP-related condition; PHIP-related disorders.

gnomAD v4.1: 1 of 1,603,478 alleles (0.000062%); highest among the groups gnomAD compares: Non-Finnish European, 0.000085%; no homozygotes.

Submission:

PreventionGenetics, part of Exact Sciences
Classification: Uncertain significance for PHIP-related condition. Last evaluated: 2026-01-21. Review status: criteria provided, single submitter. Criteria: ACMG Guidelines, 2015. Collection method: clinical testing. Allele origin: germline.
Comment: The PHIP c.1225C>T variant is predicted to result in the amino acid substitution p.Arg409Cys. This variant has been reported in two individuals with obesity (Marenne et al. 2020. PubMed ID: 32492392). This variant has not been reported in a large population database (gnomAD), indicating this variant is rare. At this time, the clinical significance of this variant is uncertain due to the absence of conclusive functional and genetic evidence.